The following is an entry in ClinVar:

ClinVar aggregate classification (germline): Likely benign. Review status: criteria provided, multiple submitters, no conflicts (2 of 4 stars). 4 submissions from 4 submitters: Likely benign (4). Last evaluated 2025-07-01.

Conditions:
Familial thoracic aortic aneurysm and aortic dissection (TAAD). Also called: Thoracic aortic aneurysms and dissections. Identifiers: Orphanet 91387, MedGen C4707243, MONDO:0019625.
Aortic aneurysm, familial thoracic 4 (AAT4). Also called: AORTIC ANEURYSM/AORTIC DISSECTION AND PATENT DUCTUS ARTERIOSUS. Identifiers: MedGen C1851504, MONDO:0007568, OMIM 132900.

Allele frequency attached by ClinVar (database versions not stated): gnomAD 0.00002 and 0.00003; TOPMed 0.00002; 1000 Genomes Project 0.00040; 1000 Genomes Project 30x 0.00047.
gnomAD v4.1: 23 of 1,614,122 alleles (0.0014%); highest among the groups gnomAD compares: East Asian, 0.049%; no homozygotes.

Submissions (4):

Labcorp Genetics (formerly Invitae), Labcorp
Classification: Likely benign for Aortic aneurysm, familial thoracic 4. Last evaluated: 2025-07-01. Review status: criteria provided, single submitter. Criteria: Invitae Variant Classification Sherloc (09022015). Collection method: clinical testing. Allele origin: germline.

All of Us Research Program, National Institutes of Health
Classification: Likely benign for Familial thoracic aortic aneurysm and aortic dissection. Last evaluated: 2024-06-09. Review status: criteria provided, single submitter. Criteria: ACMG Guidelines, 2015. Collection method: clinical testing. Allele origin: germline. Inheritance: Autosomal dominant inheritance. Observed: 4 variant alleles, 4 heterozygotes.
Comment: This study involves interpretation of variants in research participants for the purpose of population health screening. Participant phenotype was not available at the time of variant classification. Additional details can be found in publication PMID: 35346344, PMCID: PMC8962531

GeneDx
Classification: Likely benign. Last evaluated: 2020-03-18. Review status: criteria provided, single submitter. Criteria: GeneDx Variant Classification Process June 2021. Collection method: clinical testing. Allele origin: germline. Affected: yes.
Comment: This variant is associated with the following publications: (PMID: 30056620)

Color Diagnostics, LLC DBA Color Health
Classification: Likely benign for Familial thoracic aortic aneurysm and aortic dissection. Last evaluated: 2018-12-06. Review status: criteria provided, single submitter. Criteria: ACMG Guidelines, 2015. Collection method: clinical testing. Allele origin: germline.

NM_002474.3(MYH11):c.33G>T (p.Glu11Asp)

Gene: MYH11 (myosin heavy chain 11; minus strand). Cytogenetic location: 16p13.11.
Variant type: single nucleotide variant.
Coding change: c.33G>T on transcript NM_002474.3 (MANE Select); coding-DNA position 33, G replaced by T.
Protein change: p.Glu11Asp; replaces glutamic acid 11 with aspartic acid.
Molecular consequence: missense variant.
Genome position (GRCh38, 1-based): chr16:15,838,220, C>A on the plus strand (G>T on the coding strand, the complement: MYH11 is on the minus strand). VCF-style: chr16-15838220-C-A. GRCh37 (hg19) VCF-style: chr16-15932077-C-A.
Other names: c.33G>T, p.Glu11Asp (NM_001040113.2, NM_001040114.2, NM_022844.3); short protein forms E11D.
Identifiers: ClinVar variation 465723 (VCV000465723.19), dbSNP rs148562366, ClinGen allele CA7923131.